The following is an entry in ClinVar:

ClinVar aggregate classification (germline): Conflicting classifications of pathogenicity. Review status: criteria provided, conflicting classifications (1 of 4 stars). 6 submissions from 6 submitters: Uncertain significance (1); Likely benign (3). 2 of the submissions do not count toward it. Last evaluated 2026-01-19.

Conditions:
Cone-rod dystrophy 7 (CORD7). Identifiers: Orphanet 1872, MedGen C1863634, MONDO:0011355, OMIM 603649.

Allele frequency attached by ClinVar (database versions not stated): 1000 Genomes Project 30x 0.00016; 1000 Genomes Project 0.00020; TOPMed 0.00044; gnomAD 0.00048 and 0.00050; gnomAD exomes 0.00060 and 0.00073; ExAC 0.00064; ESP Exome Variant Server 0.00084.
gnomAD v4.1: 1,139 of 1,610,284 alleles (0.071%); highest among the groups gnomAD compares: Non-Finnish European, 0.082%; 1 homozygote.

Submissions (6):

Labcorp Genetics (formerly Invitae), Labcorp
Classification: Likely benign. Last evaluated: 2026-01-19. Review status: criteria provided, single submitter. Criteria: Invitae Variant Classification Sherloc (09022015). Collection method: clinical testing. Allele origin: germline.

Blueprint Genetics
Classification: Likely benign. Last evaluated: 2024-11-23. Review status: criteria provided, single submitter. Criteria: ACMG Guidelines, 2015. Collection method: clinical testing. Allele origin: germline.

Ambry Genetics
Classification: Uncertain significance. Last evaluated: 2024-08-04. Review status: criteria provided, single submitter. Criteria: Ambry Variant Classification Scheme 2023. Collection method: clinical testing. Allele origin: germline.

Illumina Laboratory Services, Illumina
Classification: Likely benign for Cone-rod dystrophy 7. Last evaluated: 2018-01-13. Review status: criteria provided, single submitter. Criteria: ICSL Variant Classification Criteria 13 December 2019. Collection method: clinical testing. Allele origin: germline.
Comment: This variant was observed in the ICSL laboratory as part of a predisposition screen in an ostensibly healthy population. It had not been previously curated by ICSL or reported in the Human Gene Mutation Database (HGMD: prior to June 1st, 2018), and was therefore a candidate for classification through an automated scoring system. Utilizing variant allele frequency, disease prevalence and penetrance estimates, and inheritance mode, an automated score was calculated to assess if this variant is too frequent to cause the disease. Based on the score and internal cut-off values, a variant classified as likely benign is not then subjected to further curation. The score for this variant resulted in a classification of likely benign for this disease.

Clinical Genetics DNA and cytogenetics Diagnostics Lab, Erasmus MC, Erasmus Medical Center
Classification: Uncertain significance. Review status: no assertion criteria provided. Collection method: clinical testing. Allele origin: germline. Affected: yes. Study: VKGL Data-share Consensus. Not counted in ClinVar's aggregate classification.

Joint Genome Diagnostic Labs from Nijmegen and Maastricht, Radboudumc and MUMC+
Classification: Uncertain significance. Review status: no assertion criteria provided. Collection method: clinical testing. Allele origin: germline. Affected: yes. Study: VKGL Data-share Consensus. Not counted in ClinVar's aggregate classification.

NM_014989.7(RIMS1):c.2294A>G (p.Gln765Arg)

Gene: RIMS1 (regulating synaptic membrane exocytosis 1; plus strand). Cytogenetic location: 6q13.
Variant type: single nucleotide variant.
Coding change: c.2294A>G on transcript NM_014989.7 (MANE Select); coding-DNA position 2294, A replaced by G.
Protein change: p.Gln765Arg; replaces glutamine 765 with arginine.
Molecular consequence: missense variant.
Genome position (GRCh38, 1-based): chr6:72,250,382, A>G. VCF-style: chr6-72250382-A-G. GRCh37 (hg19) VCF-style: chr6-72960085-A-G.
Other names: c.716A>G, p.Gln239Arg (NM_001168407.2, NM_001168408.2, NM_001350414.2 and 37 more transcripts); c.473A>G, p.Gln158Arg (NM_001168409.2, NM_001350461.2, NM_001350463.2 and 6 more transcripts); c.671A>G, p.Gln224Arg (NM_001168410.2, NM_001350470.2, NM_001350472.2 and 2 more transcripts); c.647A>G, p.Gln216Arg (NM_001350421.2, NM_001350424.2, NM_001350428.2 and 6 more transcripts); c.2294A>G (NM_014989.4); short protein forms Q765R, Q158R, Q216R, Q224R, Q239R.
Identifiers: ClinVar variation 357844 (VCV000357844.19), dbSNP rs199629596, ClinGen allele CA3885945.